The following is an entry in ClinVar:

NM_001271.4(CHD2):c.1652_1653del (p.Glu551fs)

Gene: CHD2 (chromodomain helicase DNA binding protein 2; plus strand). Cytogenetic location: 15q26.1.
Variant type: Microsatellite.
Coding change: c.1652_1653del on transcript NM_001271.4 (MANE Select); coding-DNA positions 1652 to 1653, 2 bases deleted (AG; older notation c.1652_1653delAG).
Protein change: p.Glu551fs; shifts the reading frame from glutamic acid 551.
Molecular consequence: frameshift variant.
Genome position (GRCh38, 1-based): chr15:92,953,506-92,953,507, AG deleted; deleting any 2 consecutive bases within chr15:92,953,500-92,953,507 gives the same sequence; the c. name uses the placement nearest the transcript's 3' end. VCF-style (leftmost placement, unchanged base first): chr15-92953499-CAG-C. GRCh37 (hg19) VCF-style: chr15-93496729-CAG-C.
Other names: short protein forms E551fs.
Identifiers: ClinVar variation 280417 (VCV000280417.3), dbSNP rs886041628, ClinGen allele CA10603357.
Genomic context (GRCh38, chr15:92,953,499, plus strand): 5'-CAACACCAGCTGTATGGCCCCTTTCTTATAGTCGTCCCTTTATCCACCCTCACCTCATGG[CAG>C]AGAGAGTTTGAAATCTGGGCACCAGAGATTAACGTAGTGGTTTACATAGGTGACCTGATG-3'

ClinVar aggregate classification (germline): Pathogenic. Review status: criteria provided, multiple submitters, no conflicts (2 of 4 stars). 2 submissions from 2 submitters: Pathogenic (2). Last evaluated 2025-05-02.

Conditions:
Developmental and epileptic encephalopathy 94 (DEE94). Also called: CHD2-Related Neurodevelopmental Disorders; Epileptic encephalopathy, childhood-onset. Identifiers: Orphanet 1942, Orphanet 2382, MedGen C3809278, MONDO:0014150, OMIM 615369.

Submissions (2):

Institute of Medical Genetics and Applied Genomics, University Hospital Tübingen
Classification: Pathogenic for Developmental and epileptic encephalopathy 94. Last evaluated: 2025-05-02. Review status: criteria provided, single submitter. Criteria: ACMG Guidelines, 2015. Collection method: clinical testing. Allele origin: de novo. Inheritance: Autosomal dominant inheritance. Affected: yes.

GeneDx
Classification: Pathogenic. Last evaluated: 2018-03-14. Review status: criteria provided, single submitter. Criteria: GeneDx Variant Classification (06012015). Collection method: clinical testing. Allele origin: germline. Affected: yes.
Comment: The c.1652_1653delAG pathogenic variant in the CHD2 gene causes a frameshift starting with codon Glutamic acid 551, changes this amino acid to a Valine residue and creates a premature Stop codon at position 2 of the new reading frame, denoted p.Glu551ValfsX2. This pathogenic variant is predicted to cause loss of normal protein function either through protein truncation or nonsense-mediated mRNA decay. Additionally, it was not observed in approximately 6,500 individuals of European and African American ancestry in the NHLBI Exome Sequencing Project, indicating it is not a common benign variant in these populations. Although this pathogenic variant has not been previously reported to our knowledge, other frameshift variants have been reported in the CHD2 gene in association with CHD2-related disorders (Stenson et al., 2014).